The following is an entry in ClinVar:

NM_021927.3(GUF1):c.734dup (p.Pro246fs)

Gene: GUF1 (GTP binding elongation factor GUF1; plus strand). Cytogenetic location: 4p12.
Variant type: Duplication.
Coding change: c.734dup on transcript NM_021927.3 (MANE Select); coding-DNA position 734, one base duplicated (C; older notation c.734dupC).
Protein change: p.Pro246fs; shifts the reading frame from proline 246.
Molecular consequence: frameshift variant. On other transcripts: 5 prime UTR variant (2).
Genome position (GRCh38, 1-based): chr4:44,686,023, C duplicated; the last of 6 consecutive C bases (chr4:44,686,018-44,686,023); duplicating any one gives the same sequence. VCF-style (leftmost placement, unchanged base first): chr4-44686017-T-TC. GRCh37 (hg19) VCF-style: chr4-44688034-T-TC.
Other names: c.-239dup (NM_001345867.2, NM_001345869.2); c.734dup, p.Pro246fs (NM_001345868.2); short protein forms P246fs.
Identifiers: ClinVar variation 4883850 (VCV004883850.2).
Genomic context (GRCh38, chr4:44,686,017, plus strand): 5'-AGATTTCTGCTAAACTTGGAACAAATGTTGAGAGTGTTCTTCAGGCAATTATTGAAAGAA[T>TC]CCCCCCGTGAGTATTTGGTGATTTTTGTACTAGTTGTCTCTATTTAATAGTTCAAAAACT-3'

ClinVar aggregate classification (germline): Uncertain significance (1 of 4 stars; one submission).

Conditions:
Developmental and epileptic encephalopathy, 40 (DEE40). Also called: Epileptic encephalopathy, early infantile, 40. Identifiers: Orphanet 3451, MedGen C4310737, MONDO:0014895, OMIM 617065.

Submission:

Dasa
Classification: Uncertain significance for Developmental and epileptic encephalopathy, 40. Last evaluated: 2025-11-19. Review status: criteria provided, single submitter. Criteria: DASA Assertion Criteria. Collection method: clinical testing. Allele origin: germline.
Comment: NM_021927.3(GUF1):c.734dup (p.Pro246Serfs*2) is a frameshift variant in GUF1 predicted to alter the reading frame and introduce a premature termination codon. This variant is rare in population databases. The currently available literature and clinical evidence are not sufficient to establish a definitive association between this variant and the reported condition. Therefore, this variant is classified as a variant of uncertain significance.